The following is an entry in ClinVar:

ClinVar aggregate classification (germline): Benign/Likely benign. Review status: criteria provided, multiple submitters, no conflicts (2 of 4 stars). 13 submissions from 12 submitters: Benign (8); Likely benign (5). Last evaluated 2026-02-04.

Conditions:
Neurofibromatosis, type 1 (NF1). Also called: Neurofibromatosis, type I; Peripheral type neurofibromatosis; NEUROFIBROMATOSIS, TYPE I, SOMATIC; VON RECKLINGHAUSEN DISEASE. Identifiers: Orphanet 636, MedGen C0027831, MONDO:0018975, OMIM 162200. Disease mechanism: loss of function.
Cardiovascular phenotype. Identifiers: MedGen CN230736.
Hereditary cancer-predisposing syndrome. Also called: Tumor predisposition; Neoplastic Syndromes, Hereditary; Hereditary Cancer Syndrome; Hereditary neoplastic syndrome. Identifiers: Orphanet 140162, MedGen C0027672, MeSH D009386, MONDO:0015356.
Neurofibromatosis, familial spinal (FSNF). Identifiers: Orphanet 636, MedGen C1834235, MONDO:0008078, OMIM 162210. Disease mechanism: loss of function.

Allele frequency attached by ClinVar (database versions not stated): 1000 Genomes Project 30x 0.00234; 1000 Genomes Project 0.00240; ESP Exome Variant Server 0.00315; gnomAD 0.00321 and 0.00352; TOPMed 0.00387.
gnomAD v4.1: 967 of 1,613,570 alleles (0.06%); highest among the groups gnomAD compares: African/African-American, 1.1%; 4 homozygotes.

Submissions (13):

Labcorp Genetics (formerly Invitae), Labcorp
Classification: Benign for Neurofibromatosis, type 1. Last evaluated: 2026-02-04. Review status: criteria provided, single submitter. Criteria: Invitae Variant Classification Sherloc (09022015). Collection method: clinical testing. Allele origin: germline.

ARUP Laboratories, Molecular Genetics and Genomics, ARUP Laboratories
Classification: Benign. Last evaluated: 2025-05-19. Review status: criteria provided, single submitter. Criteria: ARUP Molecular Germline Variant Investigation Process 2024. Collection method: clinical testing. Allele origin: germline.

KCCC/NGS Laboratory, Kuwait Cancer Control Center
Classification: Benign for Neurofibromatosis, type 1. Last evaluated: 2025-02-01. Review status: criteria provided, single submitter. Criteria: ACMG Guidelines, 2015. Collection method: clinical testing. Allele origin: germline. Affected: no.

Blueprint Genetics
Classification: Likely benign. Last evaluated: 2024-11-25. Review status: criteria provided, single submitter. Criteria: ACMG Guidelines, 2015. Collection method: clinical testing. Allele origin: germline.

Women's Health and Genetics/Laboratory Corporation of America, LabCorp
Classification: Benign. Last evaluated: 2023-10-29. Review status: criteria provided, single submitter. Criteria: LabCorp Variant Classification Summary - May 2015. Collection method: clinical testing. Allele origin: germline.

KCCC/NGS Laboratory, Kuwait Cancer Control Center
Classification: Benign for Neurofibromatosis, familial spinal. Last evaluated: 2023-07-07. Review status: criteria provided, single submitter. Criteria: ACMG Guidelines, 2015. Collection method: clinical testing. Allele origin: germline. Affected: yes.

Genome-Nilou Lab
Classification: Benign for Neurofibromatosis, type 1. Last evaluated: 2022-03-15. Review status: criteria provided, single submitter. Criteria: ACMG Guidelines, 2015. Collection method: clinical testing. Allele origin: germline. Affected: no.

Genetic Services Laboratory, University of Chicago
Classification: Benign. Last evaluated: 2018-05-03. Review status: criteria provided, single submitter. Criteria: ACMG Guidelines, 2015. Collection method: clinical testing. Allele origin: germline. Affected: no.

GeneDx
Classification: Likely benign. Last evaluated: 2018-03-28. Review status: criteria provided, single submitter. Criteria: GeneDx Variant Classification (06012015). Collection method: clinical testing. Allele origin: germline. Affected: yes.
Comment: This variant is considered likely benign or benign based on one or more of the following criteria: it is a conservative change, it occurs at a poorly conserved position in the protein, it is predicted to be benign by multiple in silico algorithms, and/or has population frequency not consistent with disease.

Ambry Genetics
Classification: Likely benign for Cardiovascular phenotype; Hereditary cancer-predisposing syndrome. Last evaluated: 2015-02-24. Review status: criteria provided, single submitter. Criteria: Ambry Variant Classification Scheme 2023. Collection method: clinical testing. Allele origin: germline.

Laboratory for Molecular Medicine, Mass General Brigham Personalized Medicine
Classification: Benign. Last evaluated: 2014-11-20. Review status: criteria provided, single submitter. Criteria: LMM Criteria. Collection method: clinical testing. Allele origin: germline. Observed: 1 variant allele.
Comment: c.4577+12C>T in intron 34 of NF1:This variant is not expected to have clinical s ignificance because it does not alter an amino acid residue and is not located w ithin the splice consensus sequence. It has also been identified in 0.9% (41/440 6) of African American chromosomes by the NHLBI Exome sequencing project (dbSNP rs17878332).

Breakthrough Genomics
Classification: Likely benign. Review status: criteria provided, single submitter. Criteria: ACMG Guidelines, 2015. Collection method: not provided. Allele origin: germline. Inheritance: Autosomal dominant inheritance. Affected: yes.

PreventionGenetics, part of Exact Sciences
Classification: Likely benign. Review status: criteria provided, single submitter. Criteria: ACMG Guidelines, 2015. Collection method: clinical testing. Allele origin: germline.

Literature cited by the submitters: PubMed 10678181 (cited by Women's Health and Genetics/Laboratory Corporation of America, LabCorp); PubMed 23460398 (cited by Women's Health and Genetics/Laboratory Corporation of America, LabCorp); PubMed 27069254 (cited by Women's Health and Genetics/Laboratory Corporation of America, LabCorp).

NM_001042492.3(NF1):c.4577+12C>T

Gene: NF1 (neurofibromin 1; plus strand). Cytogenetic location: 17q11.2.
Variant type: single nucleotide variant.
Coding change: c.4577+12C>T on transcript NM_001042492.3 (MANE Select); 12 bases into the intron after coding-DNA position 4577, C replaced by T.
Molecular consequence: intron variant.
Genome position (GRCh38, 1-based): chr17:31,260,527, C>T. VCF-style: chr17-31260527-C-T. GRCh37 (hg19) VCF-style: chr17-29587545-C-T.
Other names: c.4514+12C>T (NM_000267.4).
Identifiers: ClinVar variation 226851 (VCV000226851.27), dbSNP rs17878332, ClinGen allele CA8486433.
Genomic context (GRCh38, chr17:31,260,527, plus strand): 5'-TACTCTGGAACAATCAGGAGAAAATTGGGCAGTATCTTTCCAGCAACAGGTAAGATTTCC[C>T]AGTCATGGGGATAGTGAACACTCTCCGTTTAAATTTAGATTAATACAATTATTGGTCATG-3'